The following is an entry in ClinVar:

ClinVar aggregate classification (germline): Benign (1 of 4 stars; one submission).

Conditions:
Congenital myasthenic syndrome 12 (CMS12). Also called: MYASTHENIC SYNDROME, CONGENITAL, WITH TUBULAR AGGREGATES 1; Myasthenia, congenital, 12, with tubular aggregates. Identifiers: Orphanet 353327, Orphanet 590, MedGen C3552335, MONDO:0012518, OMIM 610542.

Allele frequency attached by ClinVar (database versions not stated): 1000 Genomes Project 0.00978; gnomAD 0.01066 and 0.01153; 1000 Genomes Project 30x 0.01109; TOPMed 0.01184.

Submission:

Illumina Laboratory Services, Illumina
Classification: Benign for Congenital myasthenic syndrome 12. Last evaluated: 2018-01-12. Review status: criteria provided, single submitter. Criteria: ICSL Variant Classification Criteria 13 December 2019. Collection method: clinical testing. Allele origin: germline.
Comment: This variant was observed in the ICSL laboratory as part of a predisposition screen in an ostensibly healthy population. It had not been previously curated by ICSL or reported in the Human Gene Mutation Database (HGMD: prior to June 1st, 2018), and was therefore a candidate for classification through an automated scoring system. Utilizing variant allele frequency, disease prevalence and penetrance estimates, and inheritance mode, an automated score was calculated to assess if this variant is too frequent to cause the disease. Based on the score and internal cut-off values, a variant classified as benign is not then subjected to further curation. The score for this variant resulted in a classification of benign for this disease.

NM_001244710.2(GFPT1):c.*1085A>G

Gene: GFPT1 (glutamine--fructose-6-phosphate transaminase 1; minus strand). Cytogenetic location: 2p13.3.
Variant type: single nucleotide variant.
Coding change: c.*1085A>G on transcript NM_001244710.2 (MANE Select); 1085 bases downstream of the stop codon, A replaced by G.
Molecular consequence: 3 prime UTR variant.
Genome position (GRCh38, 1-based): chr2:69,325,104, T>C on the plus strand (A>G on the coding strand, the complement: GFPT1 is on the minus strand). VCF-style: chr2-69325104-T-C. GRCh37 (hg19) VCF-style: chr2-69552236-T-C.
Other names: c.*1085A>G (NM_002056.4).
Identifiers: ClinVar variation 336854 (VCV000336854.5), dbSNP rs75177078, ClinGen allele CA10615778.